The following is an entry in ClinVar:

ClinVar aggregate classification (germline): Conflicting classifications of pathogenicity. Review status: criteria provided, conflicting classifications (1 of 4 stars). 3 submissions from 3 submitters: Uncertain significance (2); Benign (1). Last evaluated 2025-08-18.

Conditions:
Spastic paraplegia. Identifiers: MedGen C0037772, HP:0001258.

Allele frequency attached by ClinVar (database versions not stated): gnomAD exomes 0.00009; ExAC 0.00021; TOPMed 0.00032; gnomAD 0.00038 and 0.00042; ESP Exome Variant Server 0.00047.
gnomAD v4.1: 74 of 1,196,158 alleles (0.0062%); highest among the groups gnomAD compares: African/African-American, 0.12%; no homozygotes.

Submissions (3):

Labcorp Genetics (formerly Invitae), Labcorp
Classification: Benign for Spastic paraplegia. Last evaluated: 2025-08-18. Review status: criteria provided, single submitter. Criteria: Invitae Variant Classification Sherloc (09022015). Collection method: clinical testing. Allele origin: germline.

GeneDx
Classification: Uncertain significance. Last evaluated: 2017-07-20. Review status: criteria provided, single submitter. Criteria: GeneDx Variant Classification (06012015). Collection method: clinical testing. Allele origin: germline. Affected: yes.
Comment: The R909Q variant in the KDM5C gene has not been reported previously as a pathogenic variant, nor as a benign variant, to our knowledge. The R909Q variant is observed in 8/4,555 (0.17%) alleles from individuals of African background in the ExAC dataset (Lek et al., 2016). The R909Q variant is a semi-conservative amino acid substitution, which may impact secondary protein structure as these residues differ in some properties. This substitution occurs at a position that is not conserved, and in silico analysis is inconsistent in its predictions as to whether or not the variant is damaging to the protein structure/function. We interpret R909Q as a variant of uncertain significance.

Genetic Services Laboratory, University of Chicago
Classification: Uncertain significance. Last evaluated: 2014-05-06. Review status: criteria provided, single submitter. Criteria: ACMG Guidelines, 2015. Collection method: clinical testing. Allele origin: germline.

NM_004187.5(KDM5C):c.2726G>A (p.Arg909Gln)

Gene: KDM5C (lysine demethylase 5C; minus strand). Cytogenetic location: Xp11.22.
Variant type: single nucleotide variant.
Coding change: c.2726G>A on transcript NM_004187.5 (MANE Select); coding-DNA position 2726, G replaced by A.
Protein change: p.Arg909Gln; replaces arginine 909 with glutamine.
Molecular consequence: missense variant. On other transcripts: non-coding transcript variant (3).
Genome position (GRCh38, 1-based): chrX:53,196,941, C>T on the plus strand (G>A on the coding strand, the complement: KDM5C is on the minus strand). VCF-style: chrX-53196941-C-T. GRCh37 (hg19) VCF-style: chrX-53226123-C-T.
Other names: c.2525G>A, p.Arg842Gln (NM_001146702.2); c.2723G>A, p.Arg908Gln (NM_001282622.3, NM_001353979.2, NM_001353982.2); c.2726G>A, p.Arg909Gln (NM_001353978.3, NM_001353981.2, NM_001353984.2); short protein forms R909Q, R908Q, R842Q.
Identifiers: ClinVar variation 211247 (VCV000211247.11), dbSNP rs148661902, ClinGen allele CA209118.